The following is an entry in ClinVar:

ClinVar aggregate classification (germline): Uncertain significance (1 of 4 stars; one submission).

Submission:

GeneDx
Classification: Uncertain significance. Last evaluated: 2022-12-14. Review status: criteria provided, single submitter. Criteria: GeneDx Variant Classification Process June 2021. Collection method: clinical testing. Allele origin: germline. Affected: yes.
Comment: Not observed at significant frequency in large population cohorts (gnomAD); In silico analysis supports that this missense variant has a deleterious effect on protein structure/function; Has not been previously published as pathogenic or benign to our knowledge

NM_006842.3(SF3B2):c.1736A>C (p.Gln579Pro)

Gene: SF3B2 (splicing factor 3b subunit 2; plus strand). Cytogenetic location: 11q13.1.
Variant type: single nucleotide variant.
Coding change: c.1736A>C on transcript NM_006842.3 (MANE Select); coding-DNA position 1736, A replaced by C.
Protein change: p.Gln579Pro; replaces glutamine 579 with proline.
Molecular consequence: missense variant.
Genome position (GRCh38, 1-based): chr11:66,060,688, A>C. VCF-style: chr11-66060688-A-C. GRCh37 (hg19) VCF-style: chr11-65828159-A-C.
Other names: short protein forms Q579P.
Identifiers: ClinVar variation 2505738 (VCV002505738.1), dbSNP rs2496016433, ClinGen allele CA381383561.